The following is an entry in ClinVar:

NM_002519.3(NPAT):c.2418T>G (p.Asp806Glu)

Gene: NPAT (nuclear protein, coactivator of histone transcription; minus strand). Cytogenetic location: 11q22.3.
Variant type: single nucleotide variant.
Coding change: c.2418T>G on transcript NM_002519.3 (MANE Select); coding-DNA position 2418, T replaced by G.
Protein change: p.Asp806Glu; replaces aspartic acid 806 with glutamic acid.
Molecular consequence: missense variant.
Genome position (GRCh38, 1-based): chr11:108,172,566, A>C on the plus strand (T>G on the coding strand, the complement: NPAT is on the minus strand). VCF-style: chr11-108172566-A-C. GRCh37 (hg19) VCF-style: chr11-108043293-A-C.
Other names: c.2418T>G, p.Asp806Glu (NM_001321307.1); short protein forms D806E.
Identifiers: ClinVar variation 1338711 (VCV001338711.10), dbSNP rs200575398, ClinGen allele CA6263817.

ClinVar aggregate classification (germline): Conflicting classifications of pathogenicity. Review status: criteria provided, conflicting classifications (1 of 4 stars). 3 submissions from 3 submitters: Uncertain significance (1); Benign (1); Likely benign (1). Last evaluated 2026-01-03.

Allele frequency attached by ClinVar (database versions not stated): gnomAD exomes 0.00013 and 0.00043; ExAC 0.00052; gnomAD 0.00175 and 0.00185; TOPMed 0.00198; ESP Exome Variant Server 0.00210; 1000 Genomes Project 30x 0.00219; 1000 Genomes Project 0.00220.
gnomAD v4.1: 458 of 1,614,206 alleles (0.028%); highest among the groups gnomAD compares: African/African-American, 0.55%; 2 homozygotes.

Submissions (3):

Labcorp Genetics (formerly Invitae), Labcorp
Classification: Benign. Last evaluated: 2026-01-03. Review status: criteria provided, single submitter. Criteria: Invitae Variant Classification Sherloc (09022015). Collection method: clinical testing. Allele origin: germline.

Ambry Genetics
Classification: Uncertain significance. Last evaluated: 2022-09-19. Review status: criteria provided, single submitter. Criteria: Ambry Variant Classification Scheme 2023. Collection method: clinical testing. Allele origin: germline.
Comment: The p.D806E variant (also known as c.2418T>G), located in coding exon 13 of the NPAT gene, results from a T to G substitution at nucleotide position 2418. The aspartic acid at codon 806 is replaced by glutamic acid, an amino acid with highly similar properties. This amino acid position is conserved. In addition, this alteration is predicted to be tolerated by in silico analysis. Since supporting evidence is limited at this time, the clinical significance of this alteration remains unclear.

Genetic Services Laboratory, University of Chicago
Classification: Likely benign. Last evaluated: 2021-12-01. Review status: criteria provided, single submitter. Criteria: ACMG Guidelines, 2015. Collection method: clinical testing. Allele origin: germline. Affected: no.